The following is an entry in ClinVar:

NM_000088.4(COL1A1):c.*4C>T

Gene: COL1A1 (collagen type I alpha 1 chain; minus strand). Cytogenetic location: 17q21.33.
Variant type: single nucleotide variant.
Coding change: c.*4C>T on transcript NM_000088.4 (MANE Select); 4 bases downstream of the stop codon, C replaced by T.
Molecular consequence: 3 prime UTR variant.
Genome position (GRCh38, 1-based): chr17:50,185,498, G>A on the plus strand (C>T on the coding strand, the complement: COL1A1 is on the minus strand). VCF-style: chr17-50185498-G-A. GRCh37 (hg19) VCF-style: chr17-48262859-G-A.
Identifiers: ClinVar variation 1216334 (VCV001216334.5), dbSNP rs770414874, ClinGen allele CA8644164.

ClinVar aggregate classification (germline): Benign/Likely benign. Review status: criteria provided, multiple submitters, no conflicts (2 of 4 stars). 2 submissions from 2 submitters: Benign (1); Likely benign (1). Last evaluated 2025-01-23.

Allele frequency attached by ClinVar (database versions not stated): gnomAD exomes 0.00005 and 0.00012; ExAC 0.00008; gnomAD 0.00013 and 0.00014.
gnomAD v4.1: 87 of 1,613,662 alleles (0.0054%); highest among the groups gnomAD compares: Admixed American, 0.057%; no homozygotes.

Submissions (2):

Women's Health and Genetics/Laboratory Corporation of America, LabCorp
Classification: Benign. Last evaluated: 2025-01-23. Review status: criteria provided, single submitter. Criteria: LabCorp Variant Classification Summary - May 2015. Collection method: clinical testing. Allele origin: germline.
Comment: Variant summary: COL1A1 c.*4C>T is located in the untranslated mRNA region downstream of the termination codon. The variant allele was found at a frequency of 0.00012 in 251000 control chromosomes, predominantly at a frequency of 0.00058 within the Latino subpopulation in the gnomAD database. The observed variant frequency within Latino control individuals in the gnomAD database is approximately 20-fold of the estimated maximal expected allele frequency for a pathogenic variant in COL1A1 causing Osteogenesis imperfecta type I phenotype (3e-05). To our knowledge, no occurrence of c.*4C>T in individuals affected with Osteogenesis imperfecta type I and no experimental evidence demonstrating its impact on protein function have been reported. ClinVar contains an entry for this variant (Variation ID: 1216334). Based on the evidence outlined above, the variant was classified as benign.

GeneDx
Classification: Likely benign. Last evaluated: 2018-06-13. Review status: criteria provided, single submitter. Criteria: GeneDx Variant Classification Process June 2021. Collection method: clinical testing. Allele origin: germline. Affected: yes.